The following is an entry in ClinVar:

ClinVar aggregate classification (germline): Likely benign. Review status: criteria provided, multiple submitters, no conflicts (2 of 4 stars). 4 submissions from 4 submitters: Likely benign (4). Last evaluated 2026-04-01.

Allele frequency attached by ClinVar (database versions not stated): 1000 Genomes Project 30x 0.00047; 1000 Genomes Project 0.00060; gnomAD 0.00136 and 0.00137; TOPMed 0.00138; ExAC 0.00152; ESP Exome Variant Server 0.00192; gnomAD exomes 0.00197.
gnomAD v4.1: 2,376 of 1,614,110 alleles (0.15%); highest among the groups gnomAD compares: Middle Eastern, 0.35%; 14 homozygotes.

Submissions (4):

CeGaT Center for Human Genetics Tuebingen
Classification: Likely benign. Last evaluated: 2026-04-01. Review status: criteria provided, single submitter. Criteria: CeGaT Center For Human Genetics Tuebingen Variant Classification Criteria Version 2. Collection method: clinical testing. Allele origin: germline. Affected: yes. Observed: 5 variant alleles.
Comment: FLII: BP4, BP7

Ambry Genetics
Classification: Likely benign. Last evaluated: 2023-11-02. Review status: criteria provided, single submitter. Criteria: Ambry Variant Classification Scheme 2023. Collection method: clinical testing. Allele origin: germline.

Labcorp Genetics (formerly Invitae), Labcorp
Classification: Likely benign. Last evaluated: 2019-12-31. Review status: criteria provided, single submitter. Criteria: Invitae Variant Classification Sherloc (09022015). Collection method: clinical testing. Allele origin: germline.

Breakthrough Genomics
Classification: Likely benign. Review status: criteria provided, single submitter. Criteria: ACMG Guidelines, 2015. Collection method: not provided. Allele origin: germline. Inheritance: Unknown mechanism. Affected: yes.

NM_002018.4(FLII):c.3336C>T (p.Asp1112=)

Gene: FLII (FLII actin remodeling protein; minus strand). Cytogenetic location: 17p11.2.
Variant type: single nucleotide variant.
Coding change: c.3336C>T on transcript NM_002018.4 (MANE Select); coding-DNA position 3336, C replaced by T.
Protein change: p.Asp1112=; no amino-acid change (aspartic acid 1112 retained).
Molecular consequence: synonymous variant.
Genome position (GRCh38, 1-based): chr17:18,245,994, G>A on the plus strand (C>T on the coding strand, the complement: FLII is on the minus strand). VCF-style: chr17-18245994-G-A. GRCh37 (hg19) VCF-style: chr17-18149308-G-A.
Other names: c.3303C>T, p.Asp1101= (NM_001256264.2); c.3171C>T, p.Asp1057= (NM_001256265.2); c.3336C>T (NM_002018.2).
Identifiers: ClinVar variation 738374 (VCV000738374.30), dbSNP rs11540886, ClinGen allele CA8427731.